The following is an entry in ClinVar:

NM_004333.6(BRAF):c.981-437A>G

Genes: BRAF (B-Raf proto-oncogene, serine/threonine kinase; minus strand), LOC126860202 (BRD4-independent group 4 enhancer GRCh37_chr7:140493623-140494822; plus strand). Cytogenetic location: 7q34.
Variant type: single nucleotide variant.
Coding change: c.981-437A>G on transcript NM_004333.6 (MANE Select); 437 bases into the intron before coding-DNA position 981, A replaced by G.
Molecular consequence: intron variant.
Genome position (GRCh38, 1-based): chr7:140,794,904, T>C on the plus strand (A>G on the coding strand, the complement: BRAF is on the minus strand). VCF-style: chr7-140794904-T-C. GRCh37 (hg19) VCF-style: chr7-140494704-T-C.
Other names: c.981-437A>G (NM_001378474.1, NM_001378471.1, NM_001378468.1 and 4 more transcripts); c.879-437A>G (NM_001378470.1); c.717-437A>G (NM_001378475.1); c.990-437A>G (NM_001378467.1); c.825-437A>G (NM_001378472.1, NM_001378473.1).
Identifiers: ClinVar variation 2658071 (VCV002658071.24), dbSNP rs565444084, ClinGen allele CA168101204.
Genomic context (GRCh38, chr7:140,794,904, plus strand): 5'-ACATCTGAATTTACTAAAATGAAAATTTTACATATTAAGAAATTATAAATATTTTGAGAA[T>C]ACAAATGCATATTTCAGGACCTGAATGATGTACTTGTTCCTTTACAGGAGTTGAATGAAA-3'

ClinVar aggregate classification (germline): Benign (1 of 4 stars; one submission).

Allele frequency attached by ClinVar (database versions not stated): gnomAD 0.00091; TOPMed 0.00105; 1000 Genomes Project 30x 0.00156; 1000 Genomes Project 0.00200.
gnomAD v4.1: 136 of 152,334 alleles (0.089%); highest among the groups gnomAD compares: African/African-American, 0.32%; no homozygotes.

Submission:

CeGaT Center for Human Genetics Tuebingen
Classification: Benign. Last evaluated: 2022-10-01. Review status: criteria provided, single submitter. Criteria: CeGaT Center For Human Genetics Tuebingen Variant Classification Criteria Version 2. Collection method: clinical testing. Allele origin: germline. Affected: yes. Observed: 1 variant allele.
Comment: BRAF: BS1, BS2